The following is an entry in ClinVar:

ClinVar aggregate classification (germline): Uncertain significance. Review status: reviewed by expert panel (3 of 4 stars). 2 submissions from 2 submitters: Uncertain significance (1). 1 of the submissions does not count toward it. Last evaluated 2025-01-13.

Conditions:
Leigh syndrome (NULS). Also called: Leigh's syndrome; Leigh Disease; Subacute necrotizing encephalopathy; Necrotizing encephalopathy infantile subacute of Leigh; LEIGH SYNDROME, NUCLEAR; Leigh's necrotizing encephalopathy. Identifiers: Orphanet 506, MedGen C2931891, MONDO:0009723, OMIM 256000.
Mitochondrial disease. Also called: Mitochondrial disorder; Mitochondrial disorders. Identifiers: Orphanet 68380, MedGen C0751651, MeSH D028361, MONDO:0044970.

Submissions (2):

ClinGen Mitochondrial Disease Nuclear and Mitochondrial  Variant Curation Expert Panel, ClinGen
Classification: Uncertain significance for Mitochondrial disease. Last evaluated: 2025-01-13. Review status: reviewed by expert panel. Criteria: clingen mito disease acmg specifications v1-1. Collection method: curation. Allele origin: germline. Inheritance: Mitochondrial inheritance.
Comment: The m.8430T>C (p.L22P) variant in MT-ATP8 has not been reported in the medical literature however three unrelated families with features consistent with primary mitochondrial disease are known to members of this Expert Panel (PS4_supporting). Clinical features in affected individuals include Leigh syndrome spectrum disorder, neuropathy, mood disorder, cardiomyopathy, retinal dystrophy, and hearing loss. Heteroplasmy levels ranged from 57% to homoplasmic in blood. The variant segregated with disease manifestations in one family (PP1_moderate). This variant is present in population databases at low frequency (0.002%; one homoplasmic occurrence in MITOMAP; one homoplasmic and one heteroplasmic occurrence in gnomAD v3.1.2; three homoplasmic and three heteroplasmic occurrences in the Helix database; PM2_supporting). The computational predictor APOGEE1 gives a consensus rating of pathogenic with a score of 0.51 however the updated APOGEE2 predicts an unknown effect on protein with a score of 0.366 (Min=0, Max=1). There are no cybrids, single fiber studies, or other functional assays reported on this variant. In summary, this variant meets criteria to be classified as uncertain significance for primary mitochondrial disease inherited in a mitochondrial manner. This classification was approved by the NICHD/NINDS U24 ClinGen Mitochondrial Disease Variant Curation Expert Panel on January 13, 2025. Mitochondrial DNA-specific ACMG/AMP criteria applied (PMID: 32906214): PS4_supporting, PP1_moderate, PM2_supporting.

Wong Mito Lab, Molecular and Human Genetics, Baylor College of Medicine
Classification: Uncertain significance for Leigh syndrome. Last evaluated: 2019-10-17. Review status: criteria provided, single submitter. Criteria: Modified ACMG Guidelines (Unpublished). Collection method: clinical testing. Allele origin: germline. Not counted in ClinVar's aggregate classification.
Comment: The NC_012920.1:m.8430T>C (YP_003024030.1:p.Leu22Pro) variant in MTATP8 gene is interpretated to be a Uncertain Significance variant based on the modified ACMG guidelines (unpublished). This variant meets the following evidence codes: PP3

NC_012920.1(MT-ATP8):m.8430T>C

Gene: MT-ATP8 (mitochondrially encoded ATP synthase 8; plus strand).
Variant type: single nucleotide variant.
Genome position: chrM-8430-T-C.
Identifiers: ClinVar variation 692855 (VCV000692855.1), dbSNP rs1603221478, ClinGen allele CA414796067.